The following is an entry in ClinVar:

NM_001136018.4(EPHX1):c.387C>A (p.His129Gln)

Gene: EPHX1 (epoxide hydrolase 1; plus strand). Cytogenetic location: 1q42.12.
Variant type: single nucleotide variant.
Coding change: c.387C>A on transcript NM_001136018.4 (MANE Select); coding-DNA position 387, C replaced by A.
Protein change: p.His129Gln; replaces histidine 129 with glutamine.
Molecular consequence: missense variant. On other transcripts: non-coding transcript variant (3), intron variant (2).
Genome position (GRCh38, 1-based): chr1:225,838,676, C>A. VCF-style: chr1-225838676-C-A. GRCh37 (hg19) VCF-style: chr1-226026377-C-A.
Other names: c.387C>A (NM_000120.3); c.387C>A, p.His129Gln (NM_000120.4, NM_001291163.2, NM_001378426.1 and 3 more transcripts); c.360C>A, p.His120Gln (NM_001378428.1); c.365-541C>A (NM_001378431.1); c.365-3690C>A (NM_001378432.1); short protein forms H129Q, H120Q.
Identifiers: ClinVar variation 806367 (VCV000806367.43), dbSNP rs112721617, ClinGen allele CA1418386.

ClinVar aggregate classification (germline): Conflicting classifications of pathogenicity. Review status: criteria provided, conflicting classifications (1 of 4 stars). 2 submissions from 2 submitters: Uncertain significance (1); Likely benign (1). Last evaluated 2026-01-01.

Conditions:
EPHX1-related disorder. Also called: EPHX1-related condition.

Allele frequency attached by ClinVar (database versions not stated): TOPMed 0.00114; gnomAD 0.00120 and 0.00126; ExAC 0.00150; ESP Exome Variant Server 0.00185.
gnomAD v4.1: 2,805 of 1,614,080 alleles (0.17%); highest among the groups gnomAD compares: Non-Finnish European, 0.22%; 1 homozygote.

Submissions (2):

PreventionGenetics, part of Exact Sciences
Classification: Likely benign for EPHX1-related condition. Last evaluated: 2026-01-01. Review status: criteria provided, single submitter. Criteria: ACMG Guidelines, 2015. Collection method: clinical testing. Allele origin: germline.
Comment: This variant is classified as likely benign based on ACMG/AMP sequence variant interpretation guidelines (Richards et al. 2015 PMID: 25741868, with internal and published modifications).

CeGaT Center for Human Genetics Tuebingen
Classification: Uncertain significance. Last evaluated: 2016-07-01. Review status: criteria provided, single submitter. Criteria: CeGaT Center For Human Genetics Tuebingen Variant Classification Criteria Version 2. Collection method: clinical testing. Allele origin: germline. Affected: yes. Observed: 1 variant allele.